The following is an entry in ClinVar:

NM_199355.4(ADAMTS18):c.1924C>A (p.Pro642Thr)

Gene: ADAMTS18 (ADAM metallopeptidase with thrombospondin type 1 motif 18; minus strand). Cytogenetic location: 16q23.1.
Variant type: single nucleotide variant.
Coding change: c.1924C>A on transcript NM_199355.4 (MANE Select); coding-DNA position 1924, C replaced by A.
Protein change: p.Pro642Thr; replaces proline 642 with threonine.
Molecular consequence: missense variant.
Genome position (GRCh38, 1-based): chr16:77,325,974, G>T on the plus strand (C>A on the coding strand, the complement: ADAMTS18 is on the minus strand). VCF-style: chr16-77325974-G-T. GRCh37 (hg19) VCF-style: chr16-77359871-G-T.
Other names: c.1924C>A (NM_199355.2); c.1408C>A, p.Pro470Thr (NM_001326358.2); short protein forms P470T, P642T.
Identifiers: ClinVar variation 999562 (VCV000999562.8), dbSNP rs974669475, ClinGen allele CA284395690.
Genomic context (GRCh38, chr16:77,325,974, plus strand): 5'-GTTTGCTGTTATATTCTGCACACTGTTGAGCCCGAAAATCCAAGCTATTTTCATTGCAAG[G>T]GTTAATATTGCACAGCTGATAAATACGGCTAGAACCTGGACAGAATAAGCCACCATACTG-3'
Protein context (NP_955387.1, residues 632-652): SRIYQLCNIN[Pro642Thr]CNENSLDFRA

ClinVar aggregate classification (germline): Uncertain significance. Review status: criteria provided, multiple submitters, no conflicts (2 of 4 stars). 3 submissions from 3 submitters: Uncertain significance (3). Last evaluated 2025-03-28.

Conditions:
Inborn genetic diseases. Identifiers: MedGen C0950123, MeSH D030342.

Allele frequency attached by ClinVar (database versions not stated): gnomAD exomes below 0.00001.
gnomAD v4.1: 1 of 1,613,870 alleles (0.000062%); highest among the groups gnomAD compares: Admixed American, 0.0017%; no homozygotes.

Submissions (3):

Ambry Genetics
Classification: Uncertain significance for Inborn genetic diseases. Last evaluated: 2025-03-28. Review status: criteria provided, single submitter. Criteria: Ambry Variant Classification Scheme 2023. Collection method: clinical testing. Allele origin: germline.

Labcorp Genetics (formerly Invitae), Labcorp
Classification: Uncertain significance. Last evaluated: 2024-02-17. Review status: criteria provided, single submitter. Criteria: Invitae Variant Classification Sherloc (09022015). Collection method: clinical testing. Allele origin: germline.
Comment: This sequence change replaces proline, which is neutral and non-polar, with threonine, which is neutral and polar, at codon 642 of the ADAMTS18 protein (p.Pro642Thr). This variant is present in population databases (no rsID available, gnomAD 0.003%). This variant has not been reported in the literature in individuals affected with ADAMTS18-related conditions. ClinVar contains an entry for this variant (Variation ID: 999562). An algorithm developed to predict the effect of missense changes on protein structure and function (PolyPhen-2) suggests that this variant is likely to be tolerated. In summary, the available evidence is currently insufficient to determine the role of this variant in disease. Therefore, it has been classified as a Variant of Uncertain Significance.

Blueprint Genetics
Classification: Uncertain significance. Last evaluated: 2019-06-20. Review status: criteria provided, single submitter. Criteria: ACMG Guidelines, 2015. Collection method: clinical testing. Allele origin: germline.